The following is an entry in ClinVar:

ClinVar aggregate classification (germline): Uncertain significance (1 of 4 stars; one submission).

Allele frequency attached by ClinVar (database versions not stated): gnomAD exomes below 0.00001.
gnomAD v4.1: 1 of 1,613,808 alleles (0.000062%); highest among the groups gnomAD compares: African/African-American, 0.0013%; no homozygotes.

Submission:

Labcorp Genetics (formerly Invitae), Labcorp
Classification: Uncertain significance. Last evaluated: 2022-06-09. Review status: criteria provided, single submitter. Criteria: Invitae Variant Classification Sherloc (09022015). Collection method: clinical testing. Allele origin: germline.
Comment: In summary, the available evidence is currently insufficient to determine the role of this variant in disease. Therefore, it has been classified as a Variant of Uncertain Significance. Algorithms developed to predict the effect of missense changes on protein structure and function are either unavailable or do not agree on the potential impact of this missense change (SIFT: "Not Available"; PolyPhen-2: "Probably Damaging"; Align-GVGD: "Not Available"). This variant has not been reported in the literature in individuals affected with SAMD9L-related conditions. This variant is present in population databases (no rsID available, gnomAD 0.007%). This sequence change replaces proline, which is neutral and non-polar, with leucine, which is neutral and non-polar, at codon 1215 of the SAMD9L protein (p.Pro1215Leu).

NM_152703.5(SAMD9L):c.3644C>T (p.Pro1215Leu)

Gene: SAMD9L (sterile alpha motif domain containing 9 like; minus strand). Cytogenetic location: 7q21.2.
Variant type: single nucleotide variant.
Coding change: c.3644C>T on transcript NM_152703.5 (MANE Select); coding-DNA position 3644, C replaced by T.
Protein change: p.Pro1215Leu; replaces proline 1215 with leucine.
Molecular consequence: missense variant.
Genome position (GRCh38, 1-based): chr7:93,132,328, G>A on the plus strand (C>T on the coding strand, the complement: SAMD9L is on the minus strand). VCF-style: chr7-93132328-G-A. GRCh37 (hg19) VCF-style: chr7-92761641-G-A.
Other names: c.3644C>T, p.Pro1215Leu (NM_001303496.3, NM_001303497.3, NM_001303498.3 and 5 more transcripts); short protein forms P1215L.
Identifiers: ClinVar variation 2003943 (VCV002003943.4), dbSNP rs1224907650, ClinGen allele CA368180850.
Genomic context (GRCh38, chr7:93,132,328, plus strand): 5'-TTTCCTGATAAAAATTGCACCATATGTTTTTTGGATAATTCATTTTCTTTGTGGAAAAAG[G>A]GAGTGAGCTGAAGAATCTGGATAGTGTAAAGACCAACTTCTATTTCACCCAAGAAACAAG-3'
Protein context (NP_689916.2, residues 1205-1225): LYTIQILQLT[Pro1215Leu]FFHKENELSK